The following is an entry in ClinVar:

NM_003072.5(SMARCA4):c.4231C>T (p.Arg1411Trp)

Gene: SMARCA4 (SWI/SNF related BAF chromatin remodeling complex subunit ATPase 4; plus strand). Cytogenetic location: 19p13.2.
Variant type: single nucleotide variant.
Coding change: c.4231C>T on transcript NM_003072.5 (MANE Select); coding-DNA position 4231, C replaced by T.
Protein change: p.Arg1411Trp; replaces arginine 1411 with tryptophan.
Molecular consequence: missense variant. On other transcripts: non-coding transcript variant (1).
Genome position (GRCh38, 1-based): chr19:11,041,367, C>T. VCF-style: chr19-11041367-C-T. GRCh37 (hg19) VCF-style: chr19-11152043-C-T.
Other names: c.4231C>T, p.Arg1411Trp (NM_001128844.3); c.4141C>T, p.Arg1381Trp (NM_001128845.2, NM_001128846.2); c.4132C>T, p.Arg1378Trp (NM_001128847.4, NM_001128848.2, NM_001374457.1); c.4327C>T, p.Arg1443Trp (NM_001128849.3, NM_001387283.1); short protein forms R1443W, R1381W, R1378W, R1411W.
Identifiers: ClinVar variation 480576 (VCV000480576.17), dbSNP rs755455174, ClinGen allele CA9204678.

ClinVar aggregate classification (germline): Uncertain significance. Review status: criteria provided, multiple submitters, no conflicts (2 of 4 stars). 3 submissions from 3 submitters: Uncertain significance (3). Last evaluated 2024-07-30.

Conditions:
Rhabdoid tumor predisposition syndrome 2 (RTPS2). Identifiers: Orphanet 231108, Orphanet 69077, MedGen C2750074, MONDO:0013224, OMIM 613325.
Hereditary cancer-predisposing syndrome. Also called: Hereditary Cancer Syndrome; Neoplastic Syndromes, Hereditary; Tumor predisposition; Hereditary neoplastic syndrome. Identifiers: Orphanet 140162, MedGen C0027672, MeSH D009386, MONDO:0015356.
Intellectual disability, autosomal dominant 16 (CSS4). Also called: COFFIN-SIRIS SYNDROME 4. Identifiers: Orphanet 1465, MedGen C3553249, MONDO:0013821, OMIM 614609.

Allele frequency attached by ClinVar (database versions not stated): gnomAD exomes below 0.00001; ExAC 0.00001.
gnomAD v4.1: 5 of 1,612,714 alleles (0.00031%); highest among the groups gnomAD compares: South Asian, 0.0011%; no homozygotes.

Submissions (3):

Ambry Genetics
Classification: Uncertain significance for Hereditary cancer-predisposing syndrome. Last evaluated: 2024-07-30. Review status: criteria provided, single submitter. Criteria: Ambry Variant Classification Scheme 2023. Collection method: clinical testing. Allele origin: germline.
Comment: The p.R1443W variant (also known as c.4327C>T), located in coding exon 30 of the SMARCA4 gene, results from a C to T substitution at nucleotide position 4327. The arginine at codon 1443 is replaced by tryptophan, an amino acid with dissimilar properties. This amino acid position is highly conserved in available vertebrate species. In addition, the in silico prediction for this alteration is inconclusive. This variant has been detected in multiple individuals with no reported features of Coffin-Siris syndrome (Ambry internal data). Based on the supporting evidence, the association of this alteration with rhabdoid tumor predisposition syndrome is unknown; however, the association of this alteration with Coffin-Siris syndrome is unlikely.

Labcorp Genetics (formerly Invitae), Labcorp
Classification: Uncertain significance for Rhabdoid tumor predisposition syndrome 2. Last evaluated: 2023-09-04. Review status: criteria provided, single submitter. Criteria: Invitae Variant Classification Sherloc (09022015). Collection method: clinical testing. Allele origin: germline.
Comment: The frequency data for this variant in the population databases is considered unreliable, as metrics indicate poor data quality at this position in the gnomAD database. This variant has not been reported in the literature in individuals affected with SMARCA4-related conditions. ClinVar contains an entry for this variant (Variation ID: 480576). Advanced modeling of protein sequence and biophysical properties (such as structural, functional, and spatial information, amino acid conservation, physicochemical variation, residue mobility, and thermodynamic stability) has been performed at Invitae for this missense variant, however the output from this modeling did not meet the statistical confidence thresholds required to predict the impact of this variant on SMARCA4 protein function. In summary, the available evidence is currently insufficient to determine the role of this variant in disease. Therefore, it has been classified as a Variant of Uncertain Significance. This sequence change replaces arginine, which is basic and polar, with tryptophan, which is neutral and slightly polar, at codon 1443 of the SMARCA4 protein (p.Arg1443Trp).

Genome-Nilou Lab
Classification: Uncertain significance for Intellectual disability, autosomal dominant 16. Last evaluated: 2021-07-15. Review status: criteria provided, single submitter. Criteria: ACMG Guidelines, 2015. Collection method: clinical testing. Allele origin: germline. Affected: no.